The following is an entry in ClinVar:

NM_000250.2(MPO):c.1555_1568del (p.Met519fs)

Genes: MPO (myeloperoxidase; minus strand), LOC106694316 (enhancer region in introns 7-9 of MPO; plus strand). Cytogenetic location: 17q22.
Variant type: Deletion.
Coding change: c.1555_1568del on transcript NM_000250.2 (MANE Select); coding-DNA positions 1555 to 1568, 14 bases deleted (ATGGAACCCAACCC).
Protein change: p.Met519fs; shifts the reading frame from methionine 519.
Molecular consequence: frameshift variant.
Genome position (GRCh38, 1-based): chr17:58,273,467-58,273,480, GGGTTGGGTTCCAT deleted on the plus strand (ATGGAACCCAACCC on the coding strand, the reverse complement: MPO is on the minus strand); deleting any 14 consecutive bases within chr17:58,273,467-58,273,483 gives the same sequence; the c. name uses the placement nearest the transcript's 3' end. VCF-style (leftmost placement, unchanged base first): chr17-58273466-GGGGTTGGGTTCCAT-G. GRCh37 (hg19) VCF-style: chr17-56350827-GGGGTTGGGTTCCAT-G.
Other names: c.1555_1568del (LRG_84t1, NM_000250.1); c.1555_1568del14 (NM_000250.1); c.1555_1568delATGGAACCCAACCC (NM_000250.2); short protein forms M519fs.
Identifiers: ClinVar variation 3629 (VCV000003629.22), dbSNP rs536522394, ClinGen allele CA212809.

ClinVar aggregate classification (germline): Pathogenic/Likely pathogenic. Review status: criteria provided, multiple submitters, no conflicts (2 of 4 stars). 12 submissions from 12 submitters: Pathogenic (7); Likely pathogenic (4). 1 of the submissions does not count toward it. Last evaluated 2026-05-12.

Conditions:
MPO-related disorder. Also called: MPO-related condition.
Myeloperoxidase deficiency (MPOD). Also called: Myeloperoxidase deficiency syndrome; MPO DEFICIENCY. Identifiers: Orphanet 2587, MedGen C0398595, MONDO:0009694, OMIM 254600.

Submissions (12):

PreventionGenetics, part of Exact Sciences
Classification: Likely pathogenic for MPO-related condition. Last evaluated: 2026-05-12. Review status: criteria provided, single submitter. Criteria: ACMG Guidelines, 2015. Collection method: clinical testing. Allele origin: germline.
Comment: The MPO c.1555_1568del14 variant is predicted to result in a frameshift and premature protein termination (p.Met519Profs*21). This variant has been reported in the homozygous and heterozygous state in individuals with acute generalized exanthematous pustulosis (AGEP) and in the heterozygous state in an individual with generalized pustular psoriasis (GPP), who also had a heterozygous variant in the IL36RN gene (Table S1, Haskamp et al. 2020. PubMed ID: 32758447; Vergnano et al. 2020. PubMed ID: 32758448). This variant has been reported along with another MPO variant in an individual with myeloperoxidase deficiency and was also present in the heterozygous state in that patient’s daughter, who also had myeloperoxidase deficiency (Romano et al. 1997. PubMed ID: 9354683). This variant has also been reported in a study of individuals with rare MPO variants and myeloid neoplasms (Supplementary Table 6, Kongkiatkamon et al. 2022. PubMed ID: 35761024). Of note, this variant has also been reported in the heterozygous state in individuals without clinical features (see, for example, Individual_9, Spedicati et al. 2021. PubMed ID: 33727708). This variant is reported in 0.15% of alleles in individuals of European (Non-Finnish) descent in gnomAD. Frameshift variants in MPO are expected to be pathogenic. This variant is interpreted as likely pathogenic.

Dasa
Classification: Pathogenic. Last evaluated: 2026-04-09. Review status: criteria provided, single submitter. Criteria: DASA Assertion Criteria. Collection method: clinical testing. Allele origin: germline.
Comment: NM_000250.2(MPO):c.1555_1568del (p.Met519fs) is a frameshift variant in MPO predicted to alter the reading frame and introduce a premature termination codon and is predicted to result in an absent or altered protein product. Loss of function is an established disease mechanism for MPO-associated disorders. This variant has been reported in individuals with MPO-related disorders (PMID: 9354683). Functional evidence supports an impact on the gene or gene product (PMID: 9354683). Published studies describe this variant in association with related phenotype (PMID: 20974672; PMID: 9354683). Also, this variant is rare in population databases. Based on the currently available evidence, this variant is classified as pathogenic.

First Genomix Gene Laboratory, Genetic Diagnostics Department
Classification: Pathogenic for Myeloperoxidase deficiency. Last evaluated: 2025-05-27. Review status: criteria provided, single submitter. Criteria: ACMG Guidelines, 2015. Collection method: clinical testing. Allele origin: germline. Inheritance: Autosomal recessive inheritance. Affected: no.

Blueprint Genetics
Classification: Pathogenic for MPO-related disorders. Last evaluated: 2024-11-20. Review status: criteria provided, single submitter. Criteria: ACMG Guidelines, 2015. Collection method: clinical testing. Allele origin: germline. Affected: yes. Observed: 5 variant alleles.

Genetic Services Laboratory, University of Chicago
Classification: Pathogenic. Last evaluated: 2024-11-14. Review status: criteria provided, single submitter. Criteria: ACMG Guidelines, 2015. Collection method: clinical testing. Allele origin: germline. Affected: yes.
Comment: DNA sequence analysis of the MPO gene demonstrated a 14 base pair deletion in exon 9, c.1555_1568del. This sequence change results in an amino acid frameshift and creates a premature stop codon 21 amino acids downstream of the change, p.Met519Profs*21. This sequence change is predicted to result in an abnormal transcript, which may be degraded, or may lead to the production of a truncated MPO protein with potentially abnormal function. This sequence change has been described in the gnomAD database with a frequency of 0.15% in the Non-Finnish European subpopulation (dbSNP rs536522394). This pathogenic sequence change has previously been described in multiple unrelated individuals with MPO-related myeloperoxidase deficiency (PMIDs: 9354683, 31980526, 32758448). Functional studies indicate that this sequence change results in loss of function of the MPO protein versus wild-type MPO (PMID: 20974672). Taken together, the available evidence indicates that this sequence change is pathogenic.

GeneDx
Classification: Pathogenic. Last evaluated: 2024-09-19. Review status: criteria provided, single submitter. Criteria: GeneDx Variant Classification Process June 2021. Collection method: clinical testing. Allele origin: germline. Affected: yes.
Comment: Reported in the compound heterozygous state in a patient with MPO deficiency in published literature (PMID: 9354683); Frameshift variant predicted to result in protein truncation or nonsense mediated decay in a gene for which loss of function is a known mechanism of disease; Published functional studies demonstrate a damaging effect as neutrophils completely deficient in MPO fail to form neutrophil extracellular traps (NETs) (PMID: 20974672); This variant is associated with the following publications: (PMID: 12773517, 32758448, 34426522, 31589614, 33727708, 31980526, 37954595, 32758447, 33531667, 35761024, 20974672, 9354683)

Revvity Omics, Revvity
Classification: Pathogenic for Myeloperoxidase deficiency. Last evaluated: 2024-07-25. Review status: criteria provided, single submitter. Criteria: ACMG Guidelines, 2015. Collection method: clinical testing. Allele origin: germline.

Baylor Genetics
Classification: Pathogenic for Myeloperoxidase deficiency. Last evaluated: 2024-01-08. Review status: criteria provided, single submitter. Criteria: ACMG Guidelines, 2015. Collection method: clinical testing. Allele origin: unknown.

Department of Pathology and Laboratory Medicine, Sinai Health System
Classification: Likely pathogenic for Myeloperoxidase deficiency. Last evaluated: 2023-03-28. Review status: criteria provided, single submitter. Criteria: ACMG Guidelines, 2015. Collection method: research. Allele origin: germline.

AiLife Diagnostics
Classification: Likely pathogenic. Last evaluated: 2022-03-17. Review status: criteria provided, single submitter. Criteria: ACMG Guidelines, 2015. Collection method: clinical testing. Allele origin: germline. Affected: yes. Observed: 1 variant allele.

CeGaT Center for Human Genetics Tuebingen
Classification: Likely pathogenic. Last evaluated: 2017-01-31. Review status: criteria provided, single submitter. Criteria: Praxis fuer Humangenetik Tuebingen - Variant Classification Criteria. Collection method: clinical testing. Allele origin: germline. Affected: yes. Observed: 1 variant allele.

OMIM
Classification: Pathogenic for MYELOPEROXIDASE DEFICIENCY. Last evaluated: 2004-05-01. Review status: no assertion criteria provided. Collection method: literature only. Allele origin: germline. Not counted in ClinVar's aggregate classification.

Literature cited by the submitters: PubMed 20974672 (cited by Dasa); PubMed 9354683 (cited by 3 submitters); PubMed 33531667 (cited by AiLife Diagnostics); PubMed 31589614 (cited by AiLife Diagnostics); PubMed 32758447 (cited by AiLife Diagnostics); PubMed 31980526 (cited by AiLife Diagnostics); PubMed 34426522 (cited by AiLife Diagnostics); PubMed 32758448 (cited by AiLife Diagnostics); PubMed 15108282 (cited by OMIM).